The following is an entry in ClinVar:

NM_000182.5(HADHA):c.1334_1337del (p.Ile445fs)

Genes: GAREM2 (GRB2 associated regulator of MAPK1 subtype 2; plus strand), HADHA (hydroxyacyl-CoA dehydrogenase trifunctional multienzyme complex subunit alpha; minus strand). Cytogenetic location: 2p23.3.
Variant type: Deletion.
Coding change: c.1334_1337del on transcript NM_000182.5 (MANE Select); coding-DNA positions 1334 to 1337, 4 bases deleted (TTGA; older notation c.1334_1337delTTGA).
Protein change: p.Ile445fs; shifts the reading frame from isoleucine 445.
Molecular consequence: frameshift variant.
Genome position (GRCh38, 1-based): chr2:26,201,204-26,201,207, TCAA deleted on the plus strand (TTGA on the coding strand, the reverse complement: HADHA is on the minus strand); deleting any 4 consecutive bases within chr2:26,201,204-26,201,210 gives the same sequence; the c. name uses the placement nearest the transcript's 3' end. VCF-style (leftmost placement, unchanged base first): chr2-26201203-TTCAA-T. GRCh37 (hg19) VCF-style: chr2-26424072-TTCAA-T.
Other names: short protein forms I445fs.
Identifiers: ClinVar variation 5013612 (VCV005013612.1).

ClinVar aggregate classification (germline): Pathogenic (1 of 4 stars; one submission).

Conditions:
Long chain 3-hydroxyacyl-CoA dehydrogenase deficiency. Also called: Deficiency of long-chain 3-hydroxyacyl-coenzyme A dehydrogenase; LCHAD Deficiency. Identifiers: Orphanet 5, MedGen C3711645, MONDO:0012173, OMIM 609016.

Submission:

Myriad Genetics, Inc.
Classification: Pathogenic for Long chain 3-hydroxyacyl-CoA dehydrogenase deficiency. Last evaluated: 2024-10-04. Review status: criteria provided, single submitter. Criteria: Myriad Autosomal Dominant, Autosomal Recessive and X-Linked Classification Criteria (2023). Collection method: clinical testing. Allele origin: unknown.
Comment: NM_000182.4(HADHA):c.1334_1337delTTGA(I445Kfs*14) is expected to be pathogenic in the context of HADHA-related disorders. This variant is predicted to lead to an abnormal or absent protein product due to the creation of a premature termination codon in HADHA, a gene where loss-of-function variants are known to be pathogenic. Please note: this variant was assessed in the context of healthy population screening.